The following is an entry in ClinVar:

NM_032737.4(LMNB2):c.1647G>C (p.Lys549Asn)

Gene: LMNB2 (lamin B2; minus strand). Cytogenetic location: 19p13.3.
Variant type: single nucleotide variant.
Coding change: c.1647G>C on transcript NM_032737.4 (MANE Select); coding-DNA position 1647, G replaced by C.
Protein change: p.Lys549Asn; replaces lysine 549 with asparagine.
Molecular consequence: missense variant.
Genome position (GRCh38, 1-based): chr19:2,431,846, C>G on the plus strand (G>C on the coding strand, the complement: LMNB2 is on the minus strand). VCF-style: chr19-2431846-C-G. GRCh37 (hg19) VCF-style: chr19-2431844-C-G.
Other names: short protein forms K549N.
Identifiers: ClinVar variation 4689045 (VCV004689045.1).

ClinVar aggregate classification (germline): Uncertain significance (1 of 4 stars; one submission).

Submission:

Women's Health and Genetics/Laboratory Corporation of America, LabCorp
Classification: Uncertain significance. Last evaluated: 2026-01-29. Review status: criteria provided, single submitter. Criteria: LabCorp Variant Classification Summary - May 2015. Collection method: clinical testing. Allele origin: germline.
Comment: Variant summary: LMNB2 c.1647G>C (p.Lys549Asn) results in a non-conservative amino acid change located in the Lamin tail domain (IPR001322) of the encoded protein sequence. Algorithms developed to predict the effect of missense changes on protein structure and function are either unavailable or do not agree on the potential impact of this missense change. The variant was absent in 247996 control chromosomes. The available data on variant occurrences in the general population are insufficient to allow any conclusion about variant significance. To our knowledge, no occurrence of c.1647G>C in individuals affected with LMNB2-related conditions and no experimental evidence demonstrating its impact on protein function have been reported. No submitters have cited clinical-significance assessments for this variant to ClinVar. Based on the evidence outlined above, the variant was classified as uncertain significance.